The following is an entry in ClinVar:

NM_000030.3(AGXT):c.776+3del

Gene: AGXT (alanine--glyoxylate aminotransferase; plus strand). Cytogenetic location: 2q37.3.
Variant type: Deletion.
Coding change: c.776+3del on transcript NM_000030.3 (MANE Select); 3 bases into the intron after coding-DNA position 776, one base deleted (G; older notation c.776+3delG).
Molecular consequence: intron variant.
Genome position (GRCh38, 1-based): chr2:240,875,207, G deleted. VCF-style (leftmost placement, unchanged base first): chr2-240875206-TG-T. GRCh37 (hg19) VCF-style: chr2-241814623-TG-T.
Identifiers: ClinVar variation 3045369 (VCV003045369.2), dbSNP rs2528756278, ClinGen allele CA2577302677.
Genomic context (GRCh38, chr2:240,875,206, plus strand): 5'-TTCTACCTGGACATCAAGTGGCTGGCCAACTTCTGGGGCTGTGACGACCAGCCCAGGATG[TG>T]AGGCCTGGCAGGGATGGGAAGGTGGAGGGCGCTGGGCATGGCTGAGAGGTGGGGCGCTGG-3'

ClinVar aggregate classification (germline): Likely benign (0 of 4 stars; one submission).

Conditions:
AGXT-related disorder. Also called: AGXT-related condition.

Submission:

PreventionGenetics, part of Exact Sciences
Classification: Likely benign for AGXT-related condition. Last evaluated: 2023-06-22. Review status: no assertion criteria provided. Collection method: clinical testing. Allele origin: germline.
Comment: This variant is classified as likely benign based on ACMG/AMP sequence variant interpretation guidelines (Richards et al. 2015 PMID: 25741868, with internal and published modifications).